The following is an entry in ClinVar:

ClinVar aggregate classification (germline): Uncertain significance (1 of 4 stars; one submission).

Submission:

Ambry Genetics
Classification: Uncertain significance. Last evaluated: 2024-03-15. Review status: criteria provided, single submitter. Criteria: Ambry Variant Classification Scheme 2023. Collection method: clinical testing. Allele origin: germline.
Comment: The p.D132N variant (also known as c.394G>A), located in coding exon 4 of the KIF1B gene, results from a G to A substitution at nucleotide position 394. The aspartic acid at codon 132 is replaced by asparagine, an amino acid with highly similar properties. This amino acid position is conserved. In addition, this alteration is predicted to be tolerated by in silico analysis. Based on the available evidence, the clinical significance of this alteration remains unclear.

NM_001365951.3(KIF1B):c.394G>A (p.Asp132Asn)

Genes: KIF1B (kinesin family member 1B; plus strand), LOC129388447 (MPRA-validated peak65 silencer; plus strand). Cytogenetic location: 1p36.22.
Variant type: single nucleotide variant.
Coding change: c.394G>A on transcript NM_001365951.3 (MANE Select); coding-DNA position 394, G replaced by A.
Protein change: p.Asp132Asn; replaces aspartic acid 132 with asparagine.
Molecular consequence: missense variant.
Genome position (GRCh38, 1-based): chr1:10,261,935, G>A. VCF-style: chr1-10261935-G-A. GRCh37 (hg19) VCF-style: chr1-10321993-G-A.
Other names: c.394G>A, p.Asp132Asn (NM_001365952.1, NM_001365953.1, NM_015074.3 and 1 more transcripts); short protein forms D132N.
Identifiers: ClinVar variation 3288395 (VCV003288395.1).